The following is an entry in ClinVar:

NM_000091.5(COL4A3):c.898G>T (p.Gly300Ter)

Genes: COL4A3 (collagen type IV alpha 3 chain; plus strand), MFF-DT (MFF divergent transcript; minus strand). Cytogenetic location: 2q36.3.
Variant type: single nucleotide variant.
Coding change: c.898G>T on transcript NM_000091.5 (MANE Select); coding-DNA position 898, G replaced by T.
Protein change: p.Gly300Ter; replaces glycine 300 with a stop codon.
Molecular consequence: nonsense.
Genome position (GRCh38, 1-based): chr2:227,256,035, G>T. VCF-style: chr2-227256035-G-T. GRCh37 (hg19) VCF-style: chr2-228120751-G-T.
Other names: short protein forms G300*.
Identifiers: ClinVar variation 946447 (VCV000946447.7), dbSNP rs772708743, ClinGen allele CA350866938.

ClinVar aggregate classification (germline): Pathogenic (1 of 4 stars; one submission).

Submission:

Labcorp Genetics (formerly Invitae), Labcorp
Classification: Pathogenic. Last evaluated: 2020-09-24. Review status: criteria provided, single submitter. Criteria: Invitae Variant Classification Sherloc (09022015). Collection method: clinical testing. Allele origin: germline.
Comment: This sequence change creates a premature translational stop signal (p.Gly300*) in the COL4A3 gene. It is expected to result in an absent or disrupted protein product. This variant is not present in population databases (ExAC no frequency). This variant has not been reported in the literature in individuals with COL4A3-related conditions. Loss-of-function variants in COL4A3 are known to be pathogenic (PMID: 8956999, 24854265, 26809805, 27281700). For these reasons, this variant has been classified as Pathogenic.

Literature cited by the submitters: PubMed 8956999; PubMed 24854265; PubMed 26809805; PubMed 27281700.